The following is an entry in ClinVar:

ClinVar aggregate classification (germline): Benign. Review status: criteria provided, multiple submitters, no conflicts (2 of 4 stars). 6 submissions from 6 submitters: Benign (6). Last evaluated 2026-06-10.

Conditions:
Inborn genetic diseases. Identifiers: MedGen C0950123, MeSH D030342.
Tumor predisposition syndrome 2 (TPDS2). Also called: MBD4-Related Tumor Predisposition Syndrome; MBD4-associated neoplasia syndrome (MANS); MBD4-ASSOCIATED NEOPLASIA SYNDROME. Identifiers: Orphanet 661526, MedGen C5774186, MONDO:0859267, OMIM 619975.

Allele frequency attached by ClinVar (database versions not stated): ESP Exome Variant Server 0.00992; gnomAD exomes 0.01946 and 0.05829; gnomAD 0.03073 and 0.03600; TOPMed 0.04538; ExAC 0.05096; 1000 Genomes Project 30x 0.10509; 1000 Genomes Project 0.11062.
gnomAD v4.1: 34,621 of 1,614,056 alleles (2.1%); highest among the groups gnomAD compares: East Asian, 37%; 4,120 homozygotes.

Submissions (6):

Myriad Genetics, Inc.
Classification: Benign for Tumor predisposition syndrome 2. Last evaluated: 2026-06-10. Review status: criteria provided, single submitter. Criteria: Myriad Autosomal Dominant, Autosomal Recessive and X-Linked Classification Criteria (2023). Collection method: clinical testing. Allele origin: unknown.
Comment: This variant is considered benign. This variant has been observed at a population frequency that is significantly greater than expected given the associated disease prevalence and penetrance.

Labcorp Genetics (formerly Invitae), Labcorp
Classification: Benign. Last evaluated: 2026-02-04. Review status: criteria provided, single submitter. Criteria: Invitae Variant Classification Sherloc (09022015). Collection method: clinical testing. Allele origin: germline.

ARUP Laboratories, Molecular Genetics and Genomics, ARUP Laboratories
Classification: Benign. Last evaluated: 2025-05-21. Review status: criteria provided, single submitter. Criteria: ARUP Molecular Germline Variant Investigation Process 2024. Collection method: clinical testing. Allele origin: germline.

Ambry Genetics
Classification: Benign for Inborn genetic diseases. Last evaluated: 2024-10-18. Review status: criteria provided, single submitter. Criteria: Ambry Variant Classification Scheme 2023. Collection method: clinical testing. Allele origin: germline.

GeneDx
Classification: Benign. Last evaluated: 2021-05-05. Review status: criteria provided, single submitter. Criteria: GeneDx Variant Classification Process June 2021. Collection method: clinical testing. Allele origin: germline. Affected: yes.
Comment: This variant is associated with the following publications: (PMID: 16803845, 19469655, 18495292, 23027038)

Breakthrough Genomics
Classification: Benign. Review status: criteria provided, single submitter. Criteria: ACMG Guidelines, 2015. Collection method: not provided. Allele origin: germline. Inheritance: Autosomal recessive inheritance. Affected: yes.

NM_001276270.2(MBD4):c.1036G>A (p.Glu346Lys)

Gene: MBD4 (methyl-CpG binding domain 4, DNA glycosylase; minus strand). Cytogenetic location: 3q21.3.
Variant type: single nucleotide variant.
Coding change: c.1036G>A on transcript NM_001276270.2 (MANE Select); coding-DNA position 1036, G replaced by A.
Protein change: p.Glu346Lys; replaces glutamic acid 346 with lysine.
Molecular consequence: missense variant. On other transcripts: intron variant (1).
Genome position (GRCh38, 1-based): chr3:129,436,608, C>T on the plus strand (G>A on the coding strand, the complement: MBD4 is on the minus strand). VCF-style: chr3-129436608-C-T. GRCh37 (hg19) VCF-style: chr3-129155451-C-T.
Other names: c.1036G>A, p.Glu346Lys (NM_001276271.2, NM_001276272.2, NM_003925.3); c.247+1200G>A (NM_001276273.2); short protein forms E346K.
Identifiers: ClinVar variation 1266648 (VCV001266648.12), dbSNP rs140693, ClinGen allele CA2605424.